The following is an entry in ClinVar:

NM_001083962.2(TCF4):c.328T>C (p.Ser110Pro)

Gene: TCF4 (transcription factor 4; minus strand). Cytogenetic location: 18q21.2.
Variant type: single nucleotide variant.
Coding change: c.328T>C on transcript NM_001083962.2 (MANE Select); coding-DNA position 328, T replaced by C.
Protein change: p.Ser110Pro; replaces serine 110 with proline.
Molecular consequence: missense variant. On other transcripts: 5 prime UTR variant (3).
Genome position (GRCh38, 1-based): chr18:55,403,495, A>G on the plus strand (T>C on the coding strand, the complement: TCF4 is on the minus strand). VCF-style: chr18-55403495-A-G. GRCh37 (hg19) VCF-style: chr18-53070726-A-G.
Other names: c.634T>C, p.Ser212Pro (NM_001243226.3); c.256T>C, p.Ser86Pro (NM_001243227.2, NM_001306207.1, NM_001348217.1 and 15 more transcripts); c.328T>C, p.Ser110Pro (NM_001243228.2, NM_001330604.3, NM_001369567.1 and 8 more transcripts); c.322T>C, p.Ser108Pro (NM_001243230.2); c.202T>C, p.Ser68Pro (NM_001243231.2, NM_001348211.2); c.118T>C, p.Ser40Pro (NM_001243232.1, NM_001306208.1); c.-63T>C (NM_001243233.2, NM_001348213.2); c.-60T>C (NM_001348212.2); short protein forms S108P, S110P, S212P, S40P, S68P, S86P.
Identifiers: ClinVar variation 3364191 (VCV003364191.2).
Genomic context (GRCh38, chr18:55,403,495, plus strand): 5'-AACAGAGATTCTCACTTACCTGGTGGCAACCCTGTAAGTTTGATTCTCTCCCATAAGATG[A>G]GTATGAGCCCCTTTCTGTTTTACCTGCCAAGAGAAACGACAAAAAAGTGTAAATTGTGTT-3'
Protein context (NP_001077431.1, residues 100-120): IQSKTERGSY[Ser110Pro]SYGRESNLQG

ClinVar aggregate classification (germline): Uncertain significance (1 of 4 stars; one submission).

Submission:

GeneDx
Classification: Uncertain significance. Last evaluated: 2026-01-06. Review status: criteria provided, single submitter. Criteria: GeneDx Variant Classification Process June 2021. Collection method: clinical testing. Allele origin: germline.
Comment: Not observed at significant frequency in large population cohorts (gnomAD); In silico analysis supports that this missense variant has a deleterious effect on protein structure/function; Has not been previously published as pathogenic or benign to our knowledge